The following is an entry in ClinVar:

NM_206933.4(USH2A):c.15496A>T (p.Ile5166Phe)

Gene: USH2A (usherin; minus strand). Cytogenetic location: 1q41.
Variant type: single nucleotide variant.
Coding change: c.15496A>T on transcript NM_206933.4 (MANE Select); coding-DNA position 15496, A replaced by T.
Protein change: p.Ile5166Phe; replaces isoleucine 5166 with phenylalanine.
Molecular consequence: missense variant.
Genome position (GRCh38, 1-based): chr1:215,628,837, T>A on the plus strand (A>T on the coding strand, the complement: USH2A is on the minus strand). VCF-style: chr1-215628837-T-A. GRCh37 (hg19) VCF-style: chr1-215802179-T-A.
Other names: short protein forms I5166F.
Identifiers: ClinVar variation 1960591 (VCV001960591.5), dbSNP rs111033419, ClinGen allele CA344820585.

ClinVar aggregate classification (germline): Uncertain significance (1 of 4 stars; one submission).

Submission:

Labcorp Genetics (formerly Invitae), Labcorp
Classification: Uncertain significance. Last evaluated: 2022-05-07. Review status: criteria provided, single submitter. Criteria: Invitae Variant Classification Sherloc (09022015). Collection method: clinical testing. Allele origin: germline.
Comment: In summary, the available evidence is currently insufficient to determine the role of this variant in disease. Therefore, it has been classified as a Variant of Uncertain Significance. This variant disrupts the p.Ile5166 amino acid residue in USH2A. Other variant(s) that disrupt this residue have been determined to be pathogenic (PMID: 26969326, 27460420, 32531858). This suggests that this residue is clinically significant, and that variants that disrupt this residue are likely to be disease-causing. Algorithms developed to predict the effect of missense changes on protein structure and function are either unavailable or do not agree on the potential impact of this missense change (SIFT: "Deleterious"; PolyPhen-2: "Possibly Damaging"; Align-GVGD: "Class C0"). This variant has not been reported in the literature in individuals affected with USH2A-related conditions. This variant is not present in population databases (gnomAD no frequency). This sequence change replaces isoleucine, which is neutral and non-polar, with phenylalanine, which is neutral and non-polar, at codon 5166 of the USH2A protein (p.Ile5166Phe).

Literature cited by the submitters: PubMed 26969326; PubMed 27460420; PubMed 32531858.